The following is an entry in ClinVar:

ClinVar aggregate classification (germline): Uncertain significance (1 of 4 stars; one submission).

Conditions:
Cystic fibrosis (CF). Also called: MUCOVISCIDOSIS. Identifiers: Orphanet 586, MedGen C0010674, MONDO:0009061, OMIM 219700. Disease mechanism: loss of function.

Submission:

Ambry Genetics
Classification: Uncertain significance for Cystic fibrosis. Last evaluated: 2024-03-28. Review status: criteria provided, single submitter. Criteria: Ambry Variant Classification Scheme 2023. Collection method: clinical testing. Allele origin: germline.
Comment: The p.I530V variant (also known as c.1588A>G), located in coding exon 12 of the CFTR gene, results from an A to G substitution at nucleotide position 1588. The isoleucine at codon 530 is replaced by valine, an amino acid with highly similar properties. This amino acid position is conserved. In addition, the in silico prediction for this alteration is inconclusive. Based on the available evidence, the clinical significance of this alteration remains unclear.

NM_000492.4(CFTR):c.1588A>G (p.Ile530Val)

Genes: CFTR (CF transmembrane conductance regulator; plus strand), LOC111674475 (CFTR intron 11 enhancer; plus strand). Cytogenetic location: 7q31.2.
Variant type: single nucleotide variant.
Coding change: c.1588A>G on transcript NM_000492.4 (MANE Select); coding-DNA position 1588, A replaced by G.
Protein change: p.Ile530Val; replaces isoleucine 530 with valine.
Molecular consequence: missense variant.
Genome position (GRCh38, 1-based): chr7:117,587,742, A>G. VCF-style: chr7-117587742-A-G. GRCh37 (hg19) VCF-style: chr7-117227796-A-G.
Other names: short protein forms I530V.
Identifiers: ClinVar variation 3266649 (VCV003266649.1).